The following is an entry in ClinVar:

ClinVar aggregate classification (germline): Benign/Likely benign. Review status: criteria provided, multiple submitters, no conflicts (2 of 4 stars). 6 submissions from 5 submitters: Benign (5); Likely benign (1). Last evaluated 2026-01-26.

Conditions:
Syndactyly. Also called: Webbed fingers or toes. Identifiers: MedGen C0039075, MONDO:0021002, HP:0001159.
Spondylocostal dysostosis 1, autosomal recessive (SCDO1). Also called: DLL3-Related Spondylocostal Dysostosis, Autosomal Recessive. Identifiers: Orphanet 2311, MedGen CN032975, MONDO:0020692, OMIM 277300.

Allele frequency attached by ClinVar (database versions not stated): gnomAD exomes 0.00079 and 0.00226; ExAC 0.00283; gnomAD 0.00880 and 0.00950; 1000 Genomes Project 0.00919; ESP Exome Variant Server 0.00976; TOPMed 0.01027; 1000 Genomes Project 30x 0.01062.
gnomAD v4.1: 2,548 of 1,614,092 alleles (0.16%); highest among the groups gnomAD compares: African/African-American, 2.8%; 29 homozygotes.

Submissions (6):

Labcorp Genetics (formerly Invitae), Labcorp
Classification: Benign. Last evaluated: 2026-01-26. Review status: criteria provided, single submitter. Criteria: Invitae Variant Classification Sherloc (09022015). Collection method: clinical testing. Allele origin: germline.

ARUP Laboratories, Molecular Genetics and Genomics, ARUP Laboratories
Classification: Benign for Spondylocostal dysostosis 1, autosomal recessive. Last evaluated: 2024-02-14. Review status: criteria provided, single submitter. Criteria: ARUP Molecular Germline Variant Investigation Process 2024. Collection method: clinical testing. Allele origin: germline.

Illumina Laboratory Services, Illumina
Classification: Benign for Non-syndromic syndactyly. Last evaluated: 2018-01-12. Review status: criteria provided, single submitter. Criteria: ICSL Variant Classification Criteria 13 December 2019. Collection method: clinical testing. Allele origin: germline.
Comment: This variant was observed in the ICSL laboratory as part of a predisposition screen in an ostensibly healthy population. It had not been previously curated by ICSL or reported in the Human Gene Mutation Database (HGMD: prior to June 1st, 2018), and was therefore a candidate for classification through an automated scoring system. Utilizing variant allele frequency, disease prevalence and penetrance estimates, and inheritance mode, an automated score was calculated to assess if this variant is too frequent to cause the disease. Based on the score and internal cut-off values, a variant classified as benign is not then subjected to further curation. The score for this variant resulted in a classification of benign for this disease.

Illumina Laboratory Services, Illumina
Classification: Benign for Spondylocostal dysostosis 1, autosomal recessive. Last evaluated: 2018-01-12. Review status: criteria provided, single submitter. Criteria: ICSL Variant Classification Criteria 13 December 2019. Collection method: clinical testing. Allele origin: germline.
Comment: the same text as in the submission from Illumina Laboratory Services, Illumina above.

GeneDx
Classification: Benign. Last evaluated: 2016-12-05. Review status: criteria provided, single submitter. Criteria: GeneDx Variant Classification (06012015). Collection method: clinical testing. Allele origin: germline. Affected: yes.
Comment: This variant is considered likely benign or benign based on one or more of the following criteria: it is a conservative change, it occurs at a poorly conserved position in the protein, it is predicted to be benign by multiple in silico algorithms, and/or has population frequency not consistent with disease.

PreventionGenetics, part of Exact Sciences
Classification: Likely benign. Review status: criteria provided, single submitter. Criteria: ACMG Guidelines, 2015. Collection method: clinical testing. Allele origin: germline.

NM_203486.3(DLL3):c.1674-10C>T

Gene: DLL3 (delta like canonical Notch ligand 3; plus strand). Cytogenetic location: 19q13.2.
Variant type: single nucleotide variant.
Coding change: c.1674-10C>T on transcript NM_203486.3 (MANE Select); 10 bases into the intron before coding-DNA position 1674, C replaced by T.
Molecular consequence: intron variant.
Genome position (GRCh38, 1-based): chr19:39,507,820, C>T. VCF-style: chr19-39507820-C-T. GRCh37 (hg19) VCF-style: chr19-39998460-C-T.
Other names: c.1674-10C>T (NM_016941.4).
Identifiers: ClinVar variation 260777 (VCV000260777.25), dbSNP rs116099821, ClinGen allele CA9432506.